The following is an entry in ClinVar:

NM_198525.3(KIF7):c.491G>A (p.Arg164His)

Gene: KIF7 (kinesin family member 7; minus strand). Cytogenetic location: 15q26.1.
Variant type: single nucleotide variant.
Coding change: c.491G>A on transcript NM_198525.3 (MANE Select); coding-DNA position 491, G replaced by A.
Protein change: p.Arg164His; replaces arginine 164 with histidine.
Molecular consequence: missense variant.
Genome position (GRCh38, 1-based): chr15:89,649,779, C>T on the plus strand (G>A on the coding strand, the complement: KIF7 is on the minus strand). VCF-style: chr15-89649779-C-T. GRCh37 (hg19) VCF-style: chr15-90193010-C-T.
Other names: short protein forms R164H.
Identifiers: ClinVar variation 1959369 (VCV001959369.5), dbSNP rs1336887612, ClinGen allele CA393776792.
Genomic context (GRCh38, chr15:89,649,779, plus strand): 5'-GGAGGACCCCAGAGTTCCTCACCAACATTCCCGCGCTCATCTTCCCGGAGCTGGATGTCA[C>T]GGCTGGCAGTGCCCACCTCGAGCAGGTCTCGGAACTCCTCCTTGTACACTTCCAGGTAGG-3'
Protein context (NP_940927.2, residues 154-174): RDLLEVGTAS[Arg164His]DIQLREDERG

ClinVar aggregate classification (germline): Uncertain significance (1 of 4 stars; one submission).

Conditions:
Acrocallosal syndrome (ACLS). Also called: HALLUX DUPLICATION, POSTAXIAL POLYDACTYLY, AND ABSENCE OF CORPUS CALLOSUM; Schinzel syndrome 1; Absence of corpus callosum with unusual facial appearance, mental deficiency, duplication of the halluces and polydactyly. Identifiers: Orphanet 36, MedGen C0796147, MONDO:0008708, OMIM 200990.

Allele frequency attached by ClinVar (database versions not stated): gnomAD 0.00001; gnomAD exomes 0.00001; TOPMed 0.00001.
gnomAD v4.1: 17 of 1,551,720 alleles (0.0011%); highest among the groups gnomAD compares: South Asian, 0.0036%; no homozygotes.

Submission:

Labcorp Genetics (formerly Invitae), Labcorp
Classification: Uncertain significance for Acrocallosal syndrome. Last evaluated: 2022-02-04. Review status: criteria provided, single submitter. Criteria: Invitae Variant Classification Sherloc (09022015). Collection method: clinical testing. Allele origin: germline.
Comment: This sequence change replaces arginine, which is basic and polar, with histidine, which is basic and polar, at codon 164 of the KIF7 protein (p.Arg164His). This variant is present in population databases (no rsID available, gnomAD 0.002%). In summary, the available evidence is currently insufficient to determine the role of this variant in disease. Therefore, it has been classified as a Variant of Uncertain Significance. Algorithms developed to predict the effect of missense changes on protein structure and function are either unavailable or do not agree on the potential impact of this missense change (SIFT: "Deleterious"; PolyPhen-2: "Probably Damaging"; Align-GVGD: "Class C0"). This variant has not been reported in the literature in individuals affected with KIF7-related conditions.